The following is an entry in ClinVar:

NM_001845.6(COL4A1):c.1621G>A (p.Gly541Ser)

Gene: COL4A1 (collagen type IV alpha 1 chain; minus strand). Cytogenetic location: 13q34.
Variant type: single nucleotide variant.
Coding change: c.1621G>A on transcript NM_001845.6 (MANE Select); coding-DNA position 1621, G replaced by A.
Protein change: p.Gly541Ser; replaces glycine 541 with serine.
Molecular consequence: missense variant.
Genome position (GRCh38, 1-based): chr13:110,187,245, C>T on the plus strand (G>A on the coding strand, the complement: COL4A1 is on the minus strand). VCF-style: chr13-110187245-C-T. GRCh37 (hg19) VCF-style: chr13-110839592-C-T.
Other names: short protein forms G541S.
Identifiers: ClinVar variation 4795159 (VCV004795159.1).

ClinVar aggregate classification (germline): Uncertain significance (1 of 4 stars; one submission).

Conditions:
Autosomal dominant familial hematuria-retinal arteriolar tortuosity-contractures syndrome. Also called: Angiopathy, hereditary, with nephropathy, aneurysms, and muscle cramps; Hereditary Angiopathy with Nephropathy, Aneurysms, and Muscle Cramps (HANAC) Syndrome. Identifiers: Orphanet 73229, MedGen C2673195, MONDO:0012726, OMIM 611773.

Submission:

MVZ Martinsried, Medicover Genetics
Classification: Uncertain significance for Autosomal dominant familial hematuria-retinal arteriolar tortuosity-contractures syndrome. Last evaluated: 2025-11-19. Review status: criteria provided, single submitter. Criteria: ClinGen Variant Curation SOP V3.2 + Classification Guidance July2025. Collection method: clinical testing. Allele origin: unknown. Observed: 1 heterozygote.
Comment: PP3_Moderate, PM2_Supporting